The following is an entry in ClinVar:

ClinVar aggregate classification (germline): Uncertain significance (1 of 4 stars; one submission).

gnomAD v4.1: 2 of 1,614,052 alleles (0.00012%); highest among the groups gnomAD compares: Non-Finnish European, 0.00017%; no homozygotes.

Submission:

Ambry Genetics
Classification: Uncertain significance. Last evaluated: 2026-03-01. Review status: criteria provided, single submitter. Criteria: Ambry Variant Classification Scheme 2023. Collection method: clinical testing. Allele origin: germline.
Comment: The p.A820V variant (also known as c.2459C>T), located in coding exon 23 of the KIF1B gene, results from a C to T substitution at nucleotide position 2459. The alanine at codon 820 is replaced by valine, an amino acid with similar properties. This amino acid position is conserved. In addition, this alteration is predicted to be tolerated by in silico analysis. Based on the available evidence, the clinical significance of this variant remains unclear.

NM_001365951.3(KIF1B):c.2597C>T (p.Ala866Val)

Gene: KIF1B (kinesin family member 1B; plus strand). Cytogenetic location: 1p36.22.
Variant type: single nucleotide variant.
Coding change: c.2597C>T on transcript NM_001365951.3 (MANE Select); coding-DNA position 2597, C replaced by T.
Protein change: p.Ala866Val; replaces alanine 866 with valine.
Molecular consequence: missense variant.
Genome position (GRCh38, 1-based): chr1:10,324,817, C>T. VCF-style: chr1-10324817-C-T. GRCh37 (hg19) VCF-style: chr1-10384875-C-T.
Other names: c.2597C>T, p.Ala866Val (NM_001365952.1); c.2459C>T, p.Ala820Val (NM_015074.3); short protein forms A820V, A866V.
Identifiers: ClinVar variation 4844504 (VCV004844504.1).